The following is an entry in ClinVar:

ClinVar aggregate classification (germline): Likely benign. Review status: criteria provided, multiple submitters, no conflicts (2 of 4 stars). 4 submissions from 4 submitters: Likely benign (3). 1 of the submissions does not count toward it. Last evaluated 2026-01-28.

Conditions:
KCNQ1-related disorder. Also called: KCNQ1-related condition; KCNQ1-related disorders. Identifiers: MedGen CN239322.
Long QT syndrome (LQTS). Identifiers: MedGen C0023976, MeSH D008133, MONDO:0002442. Disease mechanism: loss of function. Inheritance: Various modes of inheritance.

Allele frequency attached by ClinVar (database versions not stated): gnomAD 0.00006 and 0.00007; gnomAD exomes 0.00006 and 0.00030; ESP Exome Variant Server 0.00008; TOPMed 0.00015; 1000 Genomes Project 30x 0.00016; 1000 Genomes Project 0.00020; ExAC 0.00029.
gnomAD v4.1: 100 of 1,614,098 alleles (0.0062%); highest among the groups gnomAD compares: Admixed American, 0.1%; no homozygotes.

Submissions (4):

Labcorp Genetics (formerly Invitae), Labcorp
Classification: Likely benign for Long QT syndrome. Last evaluated: 2026-01-28. Review status: criteria provided, single submitter. Criteria: Invitae Variant Classification Sherloc (09022015). Collection method: clinical testing. Allele origin: germline.

Blueprint Genetics
Classification: Likely benign. Last evaluated: 2023-03-06. Review status: criteria provided, single submitter. Criteria: ACMG Guidelines, 2015. Collection method: clinical testing. Allele origin: germline.

GeneDx
Classification: Likely benign. Last evaluated: 2015-12-01. Review status: criteria provided, single submitter. Criteria: GeneDx Variant Classification (06012015). Collection method: clinical testing. Allele origin: germline. Affected: yes.
Comment: This variant is considered likely benign or benign based on one or more of the following criteria: it is a conservative change, it occurs at a poorly conserved position in the protein, it is predicted to be benign by multiple in silico algorithms, and/or has population frequency not consistent with disease.

PreventionGenetics, part of Exact Sciences
Classification: Likely benign for KCNQ1-related condition. Last evaluated: 2020-03-23. Review status: no assertion criteria provided. Collection method: clinical testing. Allele origin: germline. Not counted in ClinVar's aggregate classification.
Comment: This variant is classified as likely benign based on ACMG/AMP sequence variant interpretation guidelines (Richards et al. 2015 PMID: 25741868, with internal and published modifications).

NM_000218.3(KCNQ1):c.1514+19G>A

Genes: KCNQ1 (potassium voltage-gated channel subfamily Q member 1; plus strand), KCNQ1OT1 (KCNQ1 opposite strand/antisense transcript 1; minus strand). Cytogenetic location: 11p15.5.
Variant type: single nucleotide variant.
Coding change: c.1514+19G>A on transcript NM_000218.3 (MANE Select); 19 bases into the intron after coding-DNA position 1514, G replaced by A.
Molecular consequence: intron variant.
Genome position (GRCh38, 1-based): chr11:2,662,100, G>A. VCF-style: chr11-2662100-G-A. GRCh37 (hg19) VCF-style: chr11-2683330-G-A.
Other names: c.1244+19G>A (NM_001406837.1); c.1418+19G>A (NM_001406836.1); c.974+19G>A (NM_001406838.1); c.1133+19G>A (NM_181798.2).
Identifiers: ClinVar variation 381974 (VCV000381974.13), dbSNP rs201932283, ClinGen allele CA030217.
Genomic context (GRCh38, chr11:2,662,100, plus strand): 5'-GGAAGGGGAGACTCTGCTGACACCCATCACCCACATCTCACAGTGAGTGCCTACATGTGC[G>A]TGAAGGGCTGGGCTGGAGGGGACTGGAGCTCAAGGAGTCAGACTTGGTGCTGGGGAAGCC-3'